The following is an entry in ClinVar:

NM_001355436.2(SPTB):c.5185C>G (p.Arg1729Gly)

Gene: SPTB (spectrin beta, erythrocytic; minus strand). Cytogenetic location: 14q23.3.
Variant type: single nucleotide variant.
Coding change: c.5185C>G on transcript NM_001355436.2 (MANE Select); coding-DNA position 5185, C replaced by G.
Protein change: p.Arg1729Gly; replaces arginine 1729 with glycine.
Molecular consequence: missense variant.
Genome position (GRCh38, 1-based): chr14:64,772,948, G>C on the plus strand (C>G on the coding strand, the complement: SPTB is on the minus strand). VCF-style: chr14-64772948-G-C. GRCh37 (hg19) VCF-style: chr14-65239666-G-C.
Other names: NM_000347.5:c.5185C>G; c.5185C>G, p.Arg1729Gly (NM_001024858.4, NM_001355437.2); short protein forms R1729G.
Identifiers: ClinVar variation 993679 (VCV000993679.13), dbSNP rs753928257, ClinGen allele CA262689596.

ClinVar aggregate classification (germline): Uncertain significance. Review status: criteria provided, multiple submitters, no conflicts (2 of 4 stars). 4 submissions from 4 submitters: Uncertain significance (4). Last evaluated 2024-04-01.

Allele frequency attached by ClinVar (database versions not stated): TOPMed 0.00003.
gnomAD v4.1: 42 of 1,599,646 alleles (0.0026%); highest among the groups gnomAD compares: Non-Finnish European, 0.0032%; no homozygotes.

Submissions (4):

GeneDx
Classification: Uncertain significance. Last evaluated: 2024-04-01. Review status: criteria provided, single submitter. Criteria: GeneDx Variant Classification Process June 2021. Collection method: clinical testing. Allele origin: germline. Affected: yes.
Comment: In silico analysis supports that this missense variant has a deleterious effect on protein structure/function; Has not been previously published as pathogenic or benign to our knowledge

ARUP Laboratories, Molecular Genetics and Genomics, ARUP Laboratories
Classification: Uncertain significance. Last evaluated: 2024-02-29. Review status: criteria provided, single submitter. Criteria: ARUP Molecular Germline Variant Investigation Process 2024. Collection method: clinical testing. Allele origin: germline.

Revvity Omics, Revvity
Classification: Uncertain significance. Last evaluated: 2023-10-30. Review status: criteria provided, single submitter. Criteria: ACMG Guidelines, 2015. Collection method: clinical testing. Allele origin: germline.

Labcorp Genetics (formerly Invitae), Labcorp
Classification: Uncertain significance. Last evaluated: 2023-10-08. Review status: criteria provided, single submitter. Criteria: Invitae Variant Classification Sherloc (09022015). Collection method: clinical testing. Allele origin: germline.
Comment: This sequence change replaces arginine, which is basic and polar, with glycine, which is neutral and non-polar, at codon 1729 of the SPTB protein (p.Arg1729Gly). This variant is present in population databases (rs753928257, gnomAD 0.004%). This variant has not been reported in the literature in individuals affected with SPTB-related conditions. ClinVar contains an entry for this variant (Variation ID: 993679). An algorithm developed to predict the effect of missense changes on protein structure and function (PolyPhen-2) suggests that this variant is likely to be disruptive. In summary, the available evidence is currently insufficient to determine the role of this variant in disease. Therefore, it has been classified as a Variant of Uncertain Significance.